The following is an entry in ClinVar:

ClinVar aggregate classification (germline): Likely benign. Review status: criteria provided, multiple submitters, no conflicts (2 of 4 stars). 4 submissions from 4 submitters: Likely benign (2). 2 of the submissions do not count toward it. Last evaluated 2026-05-20.

Conditions:
Gorlin syndrome. Also called: Nevoid Basal Cell Carcinoma Syndrome; Basal cell nevus syndrome. Identifiers: Orphanet 377, MedGen C0004779, MONDO:0007187.
PTCH2-related disorder. Also called: PTCH2-related disease; PTCH2-related condition.

Allele frequency attached by ClinVar (database versions not stated): 1000 Genomes Project 30x 0.00062; ESP Exome Variant Server 0.00038; gnomAD 0.00051 and 0.00053; 1000 Genomes Project 0.00080; gnomAD exomes 0.00018; ExAC 0.00021; TOPMed 0.00054.
gnomAD v4.1: 306 of 1,614,180 alleles (0.019%); highest among the groups gnomAD compares: African/African-American, 0.11%; no homozygotes.

Submissions (4):

Women's Health and Genetics/Laboratory Corporation of America, LabCorp
Classification: Likely benign. Last evaluated: 2026-05-20. Review status: criteria provided, single submitter. Criteria: LabCorp Variant Classification Summary - May 2015. Collection method: clinical testing. Allele origin: germline.
Comment: Variant summary: PTCH2 c.1993C>T (p.Arg665Cys) results in a non-conservative amino acid change in the encoded protein sequence. Algorithms developed to predict the effect of missense changes on protein structure and function are either unavailable or do not agree on the potential impact of this missense change. The observed variant frequency within African or African-American control individuals in the gnomAD database exceeds the estimated maximal expected allele frequency for disease-causing variants in PTCH2. To our knowledge, no occurrence of c.1993C>T in individuals affected with PTCH2-related conditions and no experimental evidence demonstrating its impact on protein function have been reported. ClinVar contains an entry for this variant (Variation ID: 453930). Based on the evidence outlined above, the variant was classified as likely benign.

Labcorp Genetics (formerly Invitae), Labcorp
Classification: Likely benign for Gorlin syndrome. Last evaluated: 2025-06-17. Review status: criteria provided, single submitter. Criteria: Invitae Variant Classification Sherloc (09022015). Collection method: clinical testing. Allele origin: germline.

PreventionGenetics, part of Exact Sciences
Classification: Likely benign for PTCH2-related condition. Last evaluated: 2022-09-13. Review status: no assertion criteria provided. Collection method: clinical testing. Allele origin: germline. Not counted in ClinVar's aggregate classification.
Comment: This variant is classified as likely benign based on ACMG/AMP sequence variant interpretation guidelines (Richards et al. 2015 PMID: 25741868, with internal and published modifications).

Department of Pathology and Laboratory Medicine, Sinai Health System
Classification: Uncertain significance. Review status: no assertion criteria provided. Collection method: clinical testing. Allele origin: unknown. Affected: yes. Study: The Canadian Open Genetics Repository (COGR). Not counted in ClinVar's aggregate classification.
Comment: The variant was identified in dbSNP (ID: rs138324984) and ClinVar (classified as likely benign by Invitae). The variant was not identified in the Cosmic but was identified in control databases in 62 of 282708 chromosomes at a frequency of 0.0002193 (Genome Aggregation Database March 6, 2019, v2.1.1). The variant was observed in the following populations: African in 28 of 24960 chromosomes (freq: 0.001122), Other in 3 of 7222 chromosomes (freq: 0.000415), Latino in 11 of 35434 chromosomes (freq: 0.00031), European (non-Finnish) in 19 of 129050 chromosomes (freq: 0.000147) and East Asian in 1 of 19950 chromosomes (freq: 0.00005), but was not observed in the Ashkenazi Jewish, European (Finnish), or South Asian populations. The p.Arg665 residue is not conserved in mammals and four out of five computational analyses (PolyPhen-2, SIFT, AlignGVGD, BLOSUM, MutationTaster) do not suggest a high likelihood of impact to the protein; however, this information is not predictive enough to rule out pathogenicity. The variant occurs outside of the splicing consensus sequence and in silico or computational prediction software programs (SpliceSiteFinder, MaxEntScan, NNSPLICE, GeneSplicer) do not predict a difference in splicing. In summary, based on the above information the clinical significance of this variant cannot be determined with certainty at this time. This variant is classified as a variant of uncertain significance.

NM_003738.5(PTCH2):c.1993C>T (p.Arg665Cys)

Gene: PTCH2 (patched 2; minus strand). Cytogenetic location: 1p34.1.
Variant type: single nucleotide variant.
Coding change: c.1993C>T on transcript NM_003738.5 (MANE Select); coding-DNA position 1993, C replaced by T.
Protein change: p.Arg665Cys; replaces arginine 665 with cysteine.
Molecular consequence: missense variant.
Genome position (GRCh38, 1-based): chr1:44,827,908, G>A on the plus strand (C>T on the coding strand, the complement: PTCH2 is on the minus strand). VCF-style: chr1-44827908-G-A. GRCh37 (hg19) VCF-style: chr1-45293580-G-A.
Other names: c.1993C>T, p.Arg665Cys (NM_001166292.2); short protein forms R665C.
Identifiers: ClinVar variation 453930 (VCV000453930.16), dbSNP rs138324984, ClinGen allele CA823137.
Genomic context (GRCh38, chr1:44,827,908, plus strand): 5'-CATGTGACTGGAGCAGCAACGGGGCAAACTGATAGCGGGCGAAATGGGCAAGATTCCAGC[G>A]GGCACAGGGCAGGGACTTGCAGGCTGCCTTCTGCCTTGTCTCCTCCTCCTGGCCTAGAAG-3'
Protein context (NP_003729.3, residues 655-675): KAACKSLPCA[Arg665Cys]WNLAHFARYQ